The following is an entry in ClinVar:

NM_001136219.3(FCGR2A):c.116C>A (p.Pro39Gln)

Gene: FCGR2A (Fc gamma receptor IIa; plus strand). Cytogenetic location: 1q23.3.
Variant type: single nucleotide variant.
Coding change: c.116C>A on transcript NM_001136219.3 (MANE Select); coding-DNA position 116, C replaced by A.
Protein change: p.Pro39Gln; replaces proline 39 with glutamine.
Molecular consequence: missense variant.
Genome position (GRCh38, 1-based): chr1:161,506,343, C>A. VCF-style: chr1-161506343-C-A. GRCh37 (hg19) VCF-style: chr1-161476133-C-A.
Other names: c.116C>A, p.Pro39Gln (NM_001375296.1); c.113C>A, p.Pro38Gln (NM_001375297.1, NM_021642.5); short protein forms P38Q, P39Q.
Identifiers: ClinVar variation 4525811 (VCV004525811.1).

ClinVar aggregate classification (germline): Uncertain significance (1 of 4 stars; one submission).

Submission:

Women's Health and Genetics/Laboratory Corporation of America, LabCorp
Classification: Uncertain significance. Last evaluated: 2025-07-17. Review status: criteria provided, single submitter. Criteria: LabCorp Variant Classification Summary - May 2015. Collection method: clinical testing. Allele origin: germline.
Comment: Variant summary: FCGR2A c.113C>A (p.Pro38Gln) results in a non-conservative amino acid change in the encoded protein sequence. Algorithms developed to predict the effect of missense changes on protein structure and function are either unavailable or do not agree on the potential impact of this missense change. The variant allele was found at a frequency of 1.2e-05 in 251058 control chromosomes. The available data on variant occurrences in the general population are insufficient to allow any conclusion about variant significance. To our knowledge, no occurrence of c.113C>A in individuals affected with FCGR2A-Related Disorders and no experimental evidence demonstrating its impact on protein function have been reported. No submitters have cited clinical-significance assessments for this variant to ClinVar. Based on the evidence outlined above, the variant was classified as uncertain significance.